The following is an entry in ClinVar:

NM_000203.5(IDUA):c.553C>G (p.His185Asp)

Gene: IDUA (alpha-L-iduronidase; plus strand). Cytogenetic location: 4p16.3.
Variant type: single nucleotide variant.
Coding change: c.553C>G on transcript NM_000203.5 (MANE Select); coding-DNA position 553, C replaced by G.
Protein change: p.His185Asp; replaces histidine 185 with aspartic acid.
Molecular consequence: missense variant. On other transcripts: non-coding transcript variant (1).
Genome position (GRCh38, 1-based): chr4:1,001,527, C>G. VCF-style: chr4-1001527-C-G. GRCh37 (hg19) VCF-style: chr4-995315-C-G.
Other names: c.157C>G, p.His53Asp (NM_001363576.1); short protein forms H185D, H53D.
Identifiers: ClinVar variation 2196674 (VCV002196674.2), dbSNP rs147174054, ClinGen allele CA2801991.

ClinVar aggregate classification (germline): Uncertain significance (1 of 4 stars; one submission).

Conditions:
Mucopolysaccharidosis type 1. Also called: IDUA deficiency; MPS I; Mucopolysaccharidosis Type I. Identifiers: Orphanet 579, MedGen C0023786, MONDO:0001586.

Allele frequency attached by ClinVar (database versions not stated): gnomAD 0.00001; gnomAD exomes 0.00001; ExAC 0.00002; ESP Exome Variant Server 0.00008.
gnomAD v4.1: 6 of 1,613,190 alleles (0.00037%); highest among the groups gnomAD compares: African/African-American, 0.0013%; no homozygotes.

Submission:

Labcorp Genetics (formerly Invitae), Labcorp
Classification: Uncertain significance for Mucopolysaccharidosis type 1. Last evaluated: 2025-10-06. Review status: criteria provided, single submitter. Criteria: Invitae Variant Classification Sherloc (09022015). Collection method: clinical testing. Allele origin: germline.
Comment: This sequence change replaces histidine, which is basic and polar, with aspartic acid, which is acidic and polar, at codon 185 of the IDUA protein (p.His185Asp). This variant is present in population databases (rs147174054, gnomAD 0.007%). This variant has not been reported in the literature in individuals affected with IDUA-related conditions. ClinVar contains an entry for this variant (Variation ID: 2196674). Invitae Evidence Modeling of protein sequence and biophysical properties (such as structural, functional, and spatial information, amino acid conservation, physicochemical variation, residue mobility, and thermodynamic stability) has been performed for this missense variant. However, the output from this modeling did not meet the statistical confidence thresholds required to predict the impact of this variant on IDUA protein function. In summary, the available evidence is currently insufficient to determine the role of this variant in disease. Therefore, it has been classified as a Variant of Uncertain Significance.